The following is an entry in ClinVar:

ClinVar aggregate classification (germline): Uncertain significance (1 of 4 stars; one submission).

Conditions:
Hereditary cancer-predisposing syndrome. Also called: Neoplastic Syndromes, Hereditary; Tumor predisposition; Hereditary Cancer Syndrome; Hereditary neoplastic syndrome. Identifiers: Orphanet 140162, MedGen C0027672, MeSH D009386, MONDO:0015356.

Submission:

Ambry Genetics
Classification: Uncertain significance for Hereditary cancer-predisposing syndrome. Last evaluated: 2026-04-23. Review status: criteria provided, single submitter. Criteria: Ambry Variant Classification Scheme 2023. Collection method: clinical testing. Allele origin: germline.
Comment: The p.E972G variant (also known as c.2915A>G), located in coding exon 25 of the POLE gene, results from an A to G substitution at nucleotide position 2915. The glutamic acid at codon 972 is replaced by glycine, an amino acid with similar properties. This amino acid position is highly conserved in available vertebrate species. In addition, this alteration is predicted to be deleterious by in silico analysis. Based on the available evidence, the clinical significance of this variant remains unclear.

NM_006231.4(POLE):c.2915A>G (p.Glu972Gly)

Gene: POLE (DNA polymerase epsilon, catalytic subunit; minus strand). Cytogenetic location: 12q24.33.
Variant type: single nucleotide variant.
Coding change: c.2915A>G on transcript NM_006231.4 (MANE Select); coding-DNA position 2915, A replaced by G.
Protein change: p.Glu972Gly; replaces glutamic acid 972 with glycine.
Molecular consequence: missense variant.
Genome position (GRCh38, 1-based): chr12:132,661,114, T>C on the plus strand (A>G on the coding strand, the complement: POLE is on the minus strand). VCF-style: chr12-132661114-T-C. GRCh37 (hg19) VCF-style: chr12-133237700-T-C.
Other names: short protein forms E972G.
Identifiers: ClinVar variation 4862273 (VCV004862273.1).
Genomic context (GRCh38, chr12:132,661,114, plus strand): 5'-GCCTCAAACACCGAGGATTGGAAGATCTTAATCAGCTGCAGTTCCCCGCGGCGTTTGACC[T>C]CAAAGCCCTTGAGCTCAGCCAGAGAACCGTCTTCATTGAACACAGCATACCTGAAAAAAA-3'
Protein context (NP_006222.2, residues 962-982): DGSLAELKGF[Glu972Gly]VKRRGELQLI